The following is an entry in ClinVar:

ClinVar aggregate classification (germline): Conflicting classifications of pathogenicity. Review status: criteria provided, conflicting classifications (1 of 4 stars). 14 submissions from 14 submitters: Uncertain significance (1); Benign (8); Likely benign (3). 2 of the submissions do not count toward it. Last evaluated 2026-02-03.

Conditions:
Familial hypobetalipoproteinemia 1. Also called: Hypobetalipoproteinemia, normotriglyceridemic; Acanthocytosis with hypobetalipoproteinemia; APOB-Related Familial Hypobetalipoproteinemia. Identifiers: MedGen C4551990, MONDO:0014252, OMIM 615558.
Hypercholesterolemia, autosomal dominant, type B (FHCL2). Also called: Familial Hypercholesterolemia Type B; APOB-Related Familial Hypercholesterolemia, Autosomal Dominant; Hyperlipoproteinemia Type IIb; Familial hypercholesterolemia 2; APOLIPOPROTEIN B-100, FAMILIAL DEFECTIVE; APOLIPOPROTEIN B-100, FAMILIAL LIGAND-DEFECTIVE. Identifiers: MedGen C1704417, MONDO:0007751, OMIM 144010.
Hypercholesterolemia, familial, 1. Also called: LDL RECEPTOR DISORDER; Hyperlipoproteinemia Type IIa; HYPER-LOW-DENSITY-LIPOPROTEINEMIA; HYPERCHOLESTEROLEMIC XANTHOMATOSIS, FAMILIAL; Fredrickson type IIa hyperlipoproteinemia; Hyperlipoproteinemia type 2. Identifiers: Orphanet 391665, MedGen C0745103, MONDO:0007750, OMIM 143890.
Cardiovascular phenotype. Identifiers: MedGen CN230736.

Allele frequency attached by ClinVar (database versions not stated): TOPMed 0.01653; 1000 Genomes Project 0.02236; 1000 Genomes Project 30x 0.02405; gnomAD exomes 0.00143; ExAC 0.00487; ESP Exome Variant Server 0.01499; gnomAD 0.01522.

Submissions (14):

Labcorp Genetics (formerly Invitae), Labcorp
Classification: Benign for Familial hypobetalipoproteinemia 1; Hypercholesterolemia, autosomal dominant, type B. Last evaluated: 2026-02-03. Review status: criteria provided, single submitter. Criteria: Invitae Variant Classification Sherloc (09022015). Collection method: clinical testing. Allele origin: germline.

Molecular Diagnostic Laboratory for Inherited Cardiovascular Disease, Montreal Heart Institute
Classification: Likely benign. Last evaluated: 2025-04-09. Review status: criteria provided, single submitter. Criteria: ACMG Guidelines, 2015. Collection method: clinical testing. Allele origin: germline. Affected: no.

ARUP Laboratories, Molecular Genetics and Genomics, ARUP Laboratories
Classification: Benign. Last evaluated: 2025-03-11. Review status: criteria provided, single submitter. Criteria: ARUP Molecular Germline Variant Investigation Process 2024. Collection method: clinical testing. Allele origin: germline.

Quest Diagnostics Nichols Institute San Juan Capistrano
Classification: Benign. Last evaluated: 2022-10-17. Review status: criteria provided, single submitter. Criteria: Quest Diagnostics criteria. Collection method: clinical testing. Allele origin: unknown.

Mayo Clinic Laboratories, Mayo Clinic
Classification: Benign. Last evaluated: 2019-08-30. Review status: criteria provided, single submitter. Criteria: ACMG Guidelines, 2015. Collection method: clinical testing. Allele origin: germline. Observed: 8 variant alleles.

Illumina Laboratory Services, Illumina
Classification: Likely benign for Hypercholesterolemia, autosomal dominant, type B. Last evaluated: 2018-04-16. Review status: criteria provided, single submitter. Criteria: ICSL Variant Classification Criteria 13 December 2019. Collection method: clinical testing. Allele origin: germline.
Comment: This variant was observed as part of a predisposition screen in an ostensibly healthy population. A literature search was performed for the gene, cDNA change, and amino acid change (where applicable). No publications were found based on this search. Allele frequency data from public databases allowed determination this variant is unlikely to cause disease. Therefore, this variant is classified as likely benign.

GeneDx
Classification: Benign. Last evaluated: 2018-01-04. Review status: criteria provided, single submitter. Criteria: GeneDx Variant Classification (06012015). Collection method: clinical testing. Allele origin: germline. Affected: yes.
Comment: This variant is considered likely benign or benign based on one or more of the following criteria: it is a conservative change, it occurs at a poorly conserved position in the protein, it is predicted to be benign by multiple in silico algorithms, and/or has population frequency not consistent with disease.

Robarts Research Institute, Western University
Classification: Likely benign for Hypercholesterolemia, familial, 1. Last evaluated: 2018-01-02. Review status: criteria provided, single submitter. Criteria: ACMG Guidelines, 2015. Collection method: clinical testing. Allele origin: germline. Inheritance: Autosomal dominant inheritance. Affected: yes.

Center for Pediatric Genomic Medicine, Children's Mercy Hospital and Clinics
Classification: Benign. Last evaluated: 2017-01-23. Review status: criteria provided, single submitter. Criteria: ACMG Guidelines, 2015. Collection method: clinical testing. Allele origin: germline.

Ambry Genetics
Classification: Benign for Cardiovascular phenotype. Last evaluated: 2016-03-23. Review status: criteria provided, single submitter. Criteria: Ambry Variant Classification Scheme 2023. Collection method: clinical testing. Allele origin: germline.

Laboratory of Genetics and Molecular Cardiology, University of São Paulo
Classification: Uncertain significance for Familial hypercholesterolemia. Last evaluated: 2016-03-01. Review status: criteria provided, single submitter. Criteria: ACMG Guidelines, 2015. Collection method: research. Allele origin: germline. Study: HipercolBrasil.

PreventionGenetics, part of Exact Sciences
Classification: Benign. Review status: criteria provided, single submitter. Criteria: ACMG Guidelines, 2015. Collection method: clinical testing. Allele origin: germline.

Clinical Genetics, Academic Medical Center
Classification: Benign. Review status: no assertion criteria provided. Collection method: clinical testing. Allele origin: germline. Affected: yes. Study: VKGL Data-share Consensus. Not counted in ClinVar's aggregate classification.

Diagnostic Laboratory, Department of Genetics, University Medical Center Groningen
Classification: Benign. Review status: no assertion criteria provided. Collection method: clinical testing. Allele origin: germline. Affected: yes. Study: VKGL Data-share Consensus. Not counted in ClinVar's aggregate classification.

Literature cited by the submitters: PubMed 20657596 (cited by Quest Diagnostics Nichols Institute San Juan Capistrano).

NM_000384.3(APOB):c.12697T>A (p.Ser4233Thr)

Gene: APOB (apolipoprotein B; minus strand). Cytogenetic location: 2p24.1.
Variant type: single nucleotide variant.
Coding change: c.12697T>A on transcript NM_000384.3 (MANE Select); coding-DNA position 12697, T replaced by A.
Protein change: p.Ser4233Thr; replaces serine 4233 with threonine.
Molecular consequence: missense variant.
Genome position (GRCh38, 1-based): chr2:21,002,725, A>T on the plus strand (T>A on the coding strand, the complement: APOB is on the minus strand). VCF-style: chr2-21002725-A-T. GRCh37 (hg19) VCF-style: chr2-21225597-A-T.
Other names: p.Ser4233Thr; short protein forms S4233T.
Identifiers: ClinVar variation 255976 (VCV000255976.39), dbSNP rs61743299, ClinGen allele CA050895.